The following is an entry in ClinVar:

ClinVar aggregate classification (germline): Conflicting classifications of pathogenicity. Review status: criteria provided, conflicting classifications (1 of 4 stars). 11 submissions from 11 submitters: Likely pathogenic (1); Uncertain significance (5); Likely benign (4). 1 of the submissions does not count toward it. Last evaluated 2026-01-19.

Conditions:
Childhood onset hearing loss.
USH2A-related disorder. Also called: USH2A-related disorders; USH2A-related condition. Identifiers: MedGen CN239332.
Usher syndrome type 2A. Also called: USHER SYNDROME, TYPE IIA; RETINAL DISEASE IN USHER SYNDROME TYPE IIA, MODIFIER OF. Identifiers: Orphanet 231178, Orphanet 886, MedGen C1848634, MONDO:0010169, OMIM 276901.
Retinitis pigmentosa 39 (RP39). Identifiers: Orphanet 791, MedGen C3151138, MONDO:0013436, OMIM 613809.

Allele frequency attached by ClinVar (database versions not stated): ExAC 0.00036; gnomAD 0.00102 and 0.00108; ESP Exome Variant Server 0.00108; gnomAD exomes 0.00035; TOPMed 0.00110; 1000 Genomes Project 30x 0.00156; 1000 Genomes Project 0.00160.
gnomAD v4.1: 429 of 1,613,784 alleles (0.027%); highest among the groups gnomAD compares: African/African-American, 0.28%; no homozygotes.

Submissions (11):

Labcorp Genetics (formerly Invitae), Labcorp
Classification: Likely benign. Last evaluated: 2026-01-19. Review status: criteria provided, single submitter. Criteria: Invitae Variant Classification Sherloc (09022015). Collection method: clinical testing. Allele origin: germline.

PreventionGenetics, part of Exact Sciences
Classification: Likely benign for USH2A-related condition. Last evaluated: 2025-11-19. Review status: criteria provided, single submitter. Criteria: ACMG Guidelines, 2015. Collection method: clinical testing. Allele origin: germline.
Comment: This variant is classified as likely benign based on ACMG/AMP sequence variant interpretation guidelines (Richards et al. 2015 PMID: 25741868, with internal and published modifications).

GeneDx
Classification: Uncertain significance. Last evaluated: 2025-06-13. Review status: criteria provided, single submitter. Criteria: GeneDx Variant Classification Process June 2021. Collection method: clinical testing. Allele origin: germline. Affected: yes.
Comment: Observed with a second USH2A variant (phase unknown) in a patient with retinitis pigmentosa and in an unrelated patient with hearing loss in published literature (PMID: 30902645, 34837038); Observed in the heterozygous state with no other variant in the USH2A gene in a patient with retinitis pigmentosa in published literature; patient also harbored a variant in the EYS gene (PMID: 26806561); In silico analysis supports that this missense variant has a deleterious effect on protein structure/function; This variant is associated with the following publications: (PMID: 34837038, 34426522, 32483926, 26806561, 30902645, 33623043)

CeGaT Center for Human Genetics Tuebingen
Classification: Uncertain significance. Last evaluated: 2025-06-01. Review status: criteria provided, single submitter. Criteria: CeGaT Center For Human Genetics Tuebingen Variant Classification Criteria Version 2. Collection method: clinical testing. Allele origin: germline. Affected: yes. Observed: 2 variant alleles.

Blueprint Genetics
Classification: Likely benign. Last evaluated: 2024-10-01. Review status: criteria provided, single submitter. Criteria: ACMG Guidelines, 2015. Collection method: clinical testing. Allele origin: germline.

Women's Health and Genetics/Laboratory Corporation of America, LabCorp
Classification: Uncertain significance. Last evaluated: 2024-07-31. Review status: criteria provided, single submitter. Criteria: LabCorp Variant Classification Summary - May 2015. Collection method: clinical testing. Allele origin: germline.
Comment: Variant summary: USH2A c.5612G>A (p.Gly1871Asp) results in a non-conservative amino acid change located in the Laminin G (IPR001791) and Fibronectin type III (IPR003961) domains of the encoded protein sequence. Five of five in-silico tools predict a damaging effect of the variant on protein function. The variant allele was found at a frequency of 0.00035 in 250594 control chromosomes (gnomAD). This frequency is not higher than expected for a pathogenic variant in USH2A causing Usher Syndrome (0.00035 vs 0.011), allowing no conclusion about variant significance. c.5612G>A has been reported in the literature in individuals affected with hearing loss and retinitis pigmentosa (examples: Perez-Carro_2015, Martin-Merida_2019, Adeyemo_2022). These reports do not provide unequivocal conclusions about association of the variant with Usher Syndrome. To our knowledge, no experimental evidence demonstrating an impact on protein function has been reported. The following publications have been ascertained in the context of this evaluation (PMID: 34837038, 33623043, 30902645, 26806561). ClinVar contains an entry for this variant (Variation ID: 48537). Based on the evidence outlined above, the variant was classified as uncertain significance.

National Institute on Deafness and Communication Disorders, National Institutes of Health
Classification: Uncertain significance for Childhood onset hearing loss. Last evaluated: 2021-07-08. Review status: criteria provided, single submitter. Criteria: ClinGen HL ACMG Specifications v1. Collection method: research. Allele origin: germline. Inheritance: Autosomal recessive inheritance. Affected: yes. Observed: 1 heterozygote. Segregation with disease not observed.
Comment: PP3 (non REVEL) / Modifications from PMID: 30311386 for classification: The genetic causes of hearing loss have not yet been well characterized in the Yoruba population, and the information regarding variant MAF in this population is still limited, so we did not exclude any variant based on their "high" MAF. PP3 criteria was applied even if the REVEL score was below 0.7, if at least two of the pathogenicity prediction algorithms used predicted that the variant was damaging or likely damaging.

was found associated with NM_206933.3:c.13361T>A

DBGen Ocular Genomics
Classification: Likely pathogenic for Retinitis pigmentosa 39. Last evaluated: 2021-06-23. Review status: criteria provided, single submitter. Criteria: ACMG Guidelines, 2015. Collection method: clinical testing. Allele origin: germline. Affected: yes. Observed: 1 variant allele.

Laboratory for Molecular Medicine, Mass General Brigham Personalized Medicine
Classification: Likely benign. Last evaluated: 2016-10-25. Review status: criteria provided, single submitter. Criteria: LMM Criteria. Collection method: clinical testing. Allele origin: germline. Observed: 6 variant alleles.
Comment: p.Gly1871Asp in exon 28 of USH2A: This variant is not expected to have clinical significance because it has been identified in 0.3% (36/10338) of African chromo somes by the Exome Aggregation Consortium (ExAC; dbSNP rs140895792).

Eurofins Ntd Llc (ga)
Classification: Uncertain significance. Last evaluated: 2016-08-25. Review status: criteria provided, single submitter. Criteria: EGL Classification Definitions 2015. Collection method: clinical testing. Allele origin: germline. Observed: 1 variant allele, 1 homozygote.

Natera, Inc.
Classification: Likely benign for Usher syndrome type 2A. Last evaluated: 2020-09-16. Review status: no assertion criteria provided. Collection method: clinical testing. Allele origin: germline. Not counted in ClinVar's aggregate classification.

Literature cited by the submitters: PubMed 34837038 (cited by Women's Health and Genetics/Laboratory Corporation of America, LabCorp); PubMed 26806561 (cited by Women's Health and Genetics/Laboratory Corporation of America, LabCorp); PubMed 33623043 (cited by Women's Health and Genetics/Laboratory Corporation of America, LabCorp); PubMed 30902645 (cited by Women's Health and Genetics/Laboratory Corporation of America, LabCorp).

NM_206933.4(USH2A):c.5612G>A (p.Gly1871Asp)

Genes: USH2A-AS2 (USH2A antisense RNA 2; plus strand), USH2A (usherin; minus strand). Cytogenetic location: 1q41.
Variant type: single nucleotide variant.
Coding change: c.5612G>A on transcript NM_206933.4 (MANE Select); coding-DNA position 5612, G replaced by A.
Protein change: p.Gly1871Asp; replaces glycine 1871 with aspartic acid.
Molecular consequence: missense variant.
Genome position (GRCh38, 1-based): chr1:216,073,261, C>T on the plus strand (G>A on the coding strand, the complement: USH2A is on the minus strand). VCF-style: chr1-216073261-C-T. GRCh37 (hg19) VCF-style: chr1-216246603-C-T.
Other names: short protein forms G1871D.
Identifiers: ClinVar variation 48537 (VCV000048537.53), dbSNP rs140895792, ClinGen allele CA143523.